The following is an entry in ClinVar:

ClinVar aggregate classification (germline): Uncertain significance. Review status: criteria provided, multiple submitters, no conflicts (2 of 4 stars). 2 submissions from 2 submitters: Uncertain significance (2). Last evaluated 2025-01-23.

Conditions:
Progressive myoclonic epilepsy type 5. Identifiers: Orphanet 402082, MedGen C5190799.

Allele frequency attached by ClinVar (database versions not stated): gnomAD exomes below 0.00001 and 0.00001; ExAC 0.00001; TOPMed 0.00002; ESP Exome Variant Server 0.00008.
gnomAD v4.1: 1 of 1,614,182 alleles (0.000062%); highest among the groups gnomAD compares: Admixed American, 0.0017%; no homozygotes.

Submissions (2):

Ambry Genetics
Classification: Uncertain significance. Last evaluated: 2025-01-23. Review status: criteria provided, single submitter. Criteria: Ambry Variant Classification Scheme 2023. Collection method: clinical testing. Allele origin: germline.

Labcorp Genetics (formerly Invitae), Labcorp
Classification: Uncertain significance for Progressive myoclonic epilepsy type 5. Last evaluated: 2021-05-18. Review status: criteria provided, single submitter. Criteria: Invitae Variant Classification Sherloc (09022015). Collection method: clinical testing. Allele origin: germline.
Comment: This sequence change replaces methionine with isoleucine at codon 378 of the PRICKLE2 protein (p.Met378Ile). The methionine residue is weakly conserved and there is a small physicochemical difference between methionine and isoleucine. In summary, the available evidence is currently insufficient to determine the role of this variant in disease. Therefore, it has been classified as a Variant of Uncertain Significance. Algorithms developed to predict the effect of missense changes on protein structure and function (SIFT, PolyPhen-2, Align-GVGD) all suggest that this variant is likely to be tolerated, but these predictions have not been confirmed by published functional studies and their clinical significance is uncertain. This variant has not been reported in the literature in individuals with PRICKLE2-related conditions. This variant is present in population databases (rs368695262, ExAC 0.01%).

NM_198859.4(PRICKLE2):c.1134G>A (p.Met378Ile)

Gene: PRICKLE2 (prickle planar cell polarity protein 2; minus strand). Cytogenetic location: 3p14.1.
Variant type: single nucleotide variant.
Coding change: c.1134G>A on transcript NM_198859.4 (MANE Select); coding-DNA position 1134, G replaced by A.
Protein change: p.Met378Ile; replaces methionine 378 with isoleucine.
Molecular consequence: missense variant.
Genome position (GRCh38, 1-based): chr3:64,147,356, C>T on the plus strand (G>A on the coding strand, the complement: PRICKLE2 is on the minus strand). VCF-style: chr3-64147356-C-T. GRCh37 (hg19) VCF-style: chr3-64133032-C-T.
Other names: c.1134G>A, p.Met378Ile (NM_001370528.1); c.1134G>A (NM_198859.3); short protein forms M378I.
Identifiers: ClinVar variation 1354501 (VCV001354501.9), dbSNP rs368695262, ClinGen allele CA2479683.